The following is an entry in ClinVar:

ClinVar aggregate classification (germline): Conflicting classifications of pathogenicity. Review status: criteria provided, conflicting classifications (1 of 4 stars). 4 submissions from 4 submitters: Uncertain significance (1); Benign (1); Likely benign (2). Last evaluated 2024-07-30.

Conditions:
Hereditary cancer-predisposing syndrome. Also called: Tumor predisposition; Hereditary Cancer Syndrome; Neoplastic Syndromes, Hereditary; Hereditary neoplastic syndrome. Identifiers: Orphanet 140162, MedGen C0027672, MeSH D009386, MONDO:0015356.
Familial cancer of breast. Also called: BREAST CANCER, FAMILIAL; Hereditary breast cancer; hereditary breast carcinoma. Identifiers: Orphanet 227535, MedGen C0346153, MONDO:0016419, OMIM 114480. Disease mechanism: loss of function.

gnomAD v4.1: 1 of 1,614,210 alleles (0.000062%); highest among the groups gnomAD compares: Non-Finnish European, 0.000085%; no homozygotes.

Submissions (4):

Myriad Genetics, Inc.
Classification: Benign for Familial cancer of breast. Last evaluated: 2024-07-30. Review status: criteria provided, single submitter. Criteria: Myriad Autosomal Dominant, Autosomal Recessive and X-Linked Classification Criteria (2023). Collection method: clinical testing. Allele origin: unknown.
Comment: This variant is considered benign. This variant is a silent/synonymous amino acid change and it is not expected to impact splicing.

Quest Diagnostics Nichols Institute San Juan Capistrano
Classification: Uncertain significance. Last evaluated: 2024-04-15. Review status: criteria provided, single submitter. Criteria: Quest Diagnostics criteria. Collection method: clinical testing. Allele origin: unknown.
Comment: The BARD1 c.2184T>C (p.Ser728=) synonymous variant has not been reported in individuals with BARD1-related conditions in the published literature. It also has not been reported in large, multi-ethnic general populations (Genome Aggregation Database). Analysis of this variant using software algorithms for the prediction of the effect of nucleotide changes on splicing yielded predictions that this variant does not affect BARD1 mRNA splicing. Based on the available information, we are unable to determine the clinical significance of this variant.

Labcorp Genetics (formerly Invitae), Labcorp
Classification: Likely benign for Familial cancer of breast. Last evaluated: 2022-10-28. Review status: criteria provided, single submitter. Criteria: Invitae Variant Classification Sherloc (09022015). Collection method: clinical testing. Allele origin: germline.

Color Diagnostics, LLC DBA Color Health
Classification: Likely benign for Hereditary cancer-predisposing syndrome. Last evaluated: 2018-03-13. Review status: criteria provided, single submitter. Criteria: ACMG Guidelines, 2015. Collection method: clinical testing. Allele origin: germline.

NM_000465.4(BARD1):c.2184T>C (p.Ser728=)

Gene: BARD1 (BRCA1 associated RING domain 1; minus strand). Cytogenetic location: 2q35.
Variant type: single nucleotide variant.
Coding change: c.2184T>C on transcript NM_000465.4 (MANE Select); coding-DNA position 2184, T replaced by C.
Protein change: p.Ser728=; no amino-acid change (serine 728 retained).
Molecular consequence: synonymous variant. On other transcripts: non-coding transcript variant (3).
Genome position (GRCh38, 1-based): chr2:214,728,826, A>G on the plus strand (T>C on the coding strand, the complement: BARD1 is on the minus strand). VCF-style: chr2-214728826-A-G. GRCh37 (hg19) VCF-style: chr2-215593550-A-G.
Other names: c.2127T>C, p.Ser709= (NM_001282543.2); c.831T>C, p.Ser277= (NM_001282545.2); c.645T>C, p.Ser215= (NM_001282549.2); c.774T>C, p.Ser258= (NM_001282548.2).
Identifiers: ClinVar variation 627693 (VCV000627693.7), dbSNP rs1559372027, ClinGen allele CA431392644.
Genomic context (GRCh38, chr2:214,728,826, plus strand): 5'-CTCTGGGTGATAATTACACAAATCTTCATAGATGATATACTGTGTGCAGAAGCGCTGATC[A>G]GAATCGGGTCTCGCATGGTATGCGACTGTATTGATGGTCTGAGTCACGTCACTGTCTGGC-3'
Protein context (NP_000456.2, residues 718-738): NTVAYHARPD[Ser728=]DQRFCTQYII